The following is an entry in ClinVar:

NM_016279.4(CDH9):c.693G>A (p.Gln231=)

Gene: CDH9 (cadherin 9; minus strand). Cytogenetic location: 5p14.1.
Variant type: single nucleotide variant.
Coding change: c.693G>A on transcript NM_016279.4 (MANE Select); coding-DNA position 693, G replaced by A.
Protein change: p.Gln231=; no amino-acid change (glutamine 231 retained).
Molecular consequence: synonymous variant.
Genome position (GRCh38, 1-based): chr5:26,906,077, C>T on the plus strand (G>A on the coding strand, the complement: CDH9 is on the minus strand). VCF-style: chr5-26906077-C-T. GRCh37 (hg19) VCF-style: chr5-26906186-C-T.
Identifiers: ClinVar variation 3906037 (VCV003906037.10).

ClinVar aggregate classification (germline): Likely benign (1 of 4 stars; one submission).

gnomAD v4.1: 2 of 1,613,796 alleles (0.00012%); highest among the groups gnomAD compares: Admixed American, 0.0033%; no homozygotes.

Submission:

CeGaT Center for Human Genetics Tuebingen
Classification: Likely benign. Last evaluated: 2025-06-01. Review status: criteria provided, single submitter. Criteria: CeGaT Center For Human Genetics Tuebingen Variant Classification Criteria Version 2. Collection method: clinical testing. Allele origin: germline. Affected: yes. Observed: 1 variant allele.
Comment: CDH9: BP4, BP7